The following is an entry in ClinVar:

NM_001458.5(FLNC):c.4484A>G (p.Asp1495Gly)

Gene: FLNC (filamin C; plus strand). Cytogenetic location: 7q32.1.
Variant type: single nucleotide variant.
Coding change: c.4484A>G on transcript NM_001458.5 (MANE Select); coding-DNA position 4484, A replaced by G.
Protein change: p.Asp1495Gly; replaces aspartic acid 1495 with glycine.
Molecular consequence: missense variant.
Genome position (GRCh38, 1-based): chr7:128,847,972, A>G. VCF-style: chr7-128847972-A-G. GRCh37 (hg19) VCF-style: chr7-128488026-A-G.
Other names: c.4484A>G, p.Asp1495Gly (NM_001127487.2); short protein forms D1495G.
Identifiers: ClinVar variation 2928363 (VCV002928363.2), dbSNP rs1005564405, ClinGen allele CA166183294.

ClinVar aggregate classification (germline): Uncertain significance. Review status: criteria provided, multiple submitters, no conflicts (2 of 4 stars). 2 submissions from 2 submitters: Uncertain significance (2). Last evaluated 2026-03-13.

Conditions:
Distal myopathy with posterior leg and anterior hand involvement. Also called: WILLIAMS DISTAL MYOPATHY. Identifiers: Orphanet 63273, MedGen C3279722, MONDO:0013550, OMIM 614065.
Myofibrillar myopathy 5. Also called: Filaminopathy (type); FILAMINOPATHY, AUTOSOMAL DOMINANT. Identifiers: Orphanet 171445, MedGen C1836050, MONDO:0012289, OMIM 609524.
Hypertrophic cardiomyopathy 26. Also called: Cardiomyopathy, familial hypertrophic, 26. Identifiers: Orphanet 75249, MedGen C4310749, MONDO:0014883, OMIM 617047.
Dilated Cardiomyopathy, Dominant.

Allele frequency attached by ClinVar (database versions not stated): gnomAD exomes below 0.00001.
gnomAD v4.1: 2 of 1,613,070 alleles (0.00012%); highest among the groups gnomAD compares: Non-Finnish European, 0.00017%; no homozygotes.

Submissions (2):

GeneDx
Classification: Uncertain significance. Last evaluated: 2026-03-13. Review status: criteria provided, single submitter. Criteria: GeneDx Variant Classification Process June 2021. Collection method: clinical testing. Allele origin: germline.
Comment: Not observed at significant frequency in large population cohorts (gnomAD); In silico analysis supports that this missense variant has a deleterious effect on protein structure/function; Has not been previously published as pathogenic or benign to our knowledge

Labcorp Genetics (formerly Invitae), Labcorp
Classification: Uncertain significance for Distal myopathy with posterior leg and anterior hand involvement; Myofibrillar myopathy 5; Hypertrophic cardiomyopathy 26. Last evaluated: 2024-01-02. Review status: criteria provided, single submitter. Criteria: Invitae Variant Classification Sherloc (09022015). Collection method: clinical testing. Allele origin: germline.
Comment: This sequence change replaces aspartic acid, which is acidic and polar, with glycine, which is neutral and non-polar, at codon 1495 of the FLNC protein (p.Asp1495Gly). This variant is not present in population databases (gnomAD no frequency). This variant has not been reported in the literature in individuals affected with FLNC-related conditions. Advanced modeling of protein sequence and biophysical properties (such as structural, functional, and spatial information, amino acid conservation, physicochemical variation, residue mobility, and thermodynamic stability) has been performed at Invitae for this missense variant, however the output from this modeling did not meet the statistical confidence thresholds required to predict the impact of this variant on FLNC protein function. In summary, the available evidence is currently insufficient to determine the role of this variant in disease. Therefore, it has been classified as a Variant of Uncertain Significance.